The following is an entry in ClinVar:

NM_000051.4(ATM):c.5210T>G (p.Leu1737Trp)

Gene: ATM (ATM serine/threonine kinase; plus strand). Cytogenetic location: 11q22.3.
Variant type: single nucleotide variant.
Coding change: c.5210T>G on transcript NM_000051.4 (MANE Select); coding-DNA position 5210, T replaced by G.
Protein change: p.Leu1737Trp; replaces leucine 1737 with tryptophan.
Molecular consequence: missense variant.
Genome position (GRCh38, 1-based): chr11:108,301,680, T>G. VCF-style: chr11-108301680-T-G. GRCh37 (hg19) VCF-style: chr11-108172407-T-G.
Other names: c.5210T>G, p.Leu1737Trp (NM_001351834.2); short protein forms L1737W.
Identifiers: ClinVar variation 825553 (VCV000825553.13), dbSNP rs1591708558, ClinGen allele CA382542244.

ClinVar aggregate classification (germline): Uncertain significance. Review status: criteria provided, multiple submitters, no conflicts (2 of 4 stars). 2 submissions from 2 submitters: Uncertain significance (2). Last evaluated 2025-07-02.

Conditions:
Hereditary cancer-predisposing syndrome. Also called: Neoplastic Syndromes, Hereditary; Hereditary Cancer Syndrome; Hereditary neoplastic syndrome; Tumor predisposition. Identifiers: Orphanet 140162, MedGen C0027672, MeSH D009386, MONDO:0015356.
Ataxia-telangiectasia syndrome (AT). Also called: ATAXIA-TELANGIECTASIA, COMPLEMENTATION GROUP A; ATAXIA-TELANGIECTASIA, FRESNO VARIANT; Ataxia-telangiectasia, complementation group E; Ataxia telangiectasia (A-T); LOUIS-BAR SYNDROME; Cerebello-oculocutaneous telangiectasia. Identifiers: Orphanet 100, MedGen C0004135, MONDO:0008840, OMIM 208900.

Allele frequency attached by ClinVar (database versions not stated): gnomAD exomes below 0.00001.
gnomAD v4.1: 1 of 1,613,742 alleles (0.000062%); highest among the groups gnomAD compares: Non-Finnish European, 0.000085%; no homozygotes.

Submissions (2):

Labcorp Genetics (formerly Invitae), Labcorp
Classification: Uncertain significance for Ataxia-telangiectasia syndrome. Last evaluated: 2025-07-02. Review status: criteria provided, single submitter. Criteria: Invitae Variant Classification Sherloc (09022015). Collection method: clinical testing. Allele origin: germline.
Comment: This sequence change replaces leucine, which is neutral and non-polar, with tryptophan, which is neutral and slightly polar, at codon 1737 of the ATM protein (p.Leu1737Trp). This variant is not present in population databases (gnomAD no frequency). This variant has not been reported in the literature in individuals affected with ATM-related conditions. ClinVar contains an entry for this variant (Variation ID: 825553). Invitae Evidence Modeling of protein sequence and biophysical properties (such as structural, functional, and spatial information, amino acid conservation, physicochemical variation, residue mobility, and thermodynamic stability) has been performed for this missense variant. However, the output from this modeling did not meet the statistical confidence thresholds required to predict the impact of this variant on ATM protein function. In summary, the available evidence is currently insufficient to determine the role of this variant in disease. Therefore, it has been classified as a Variant of Uncertain Significance.

Ambry Genetics
Classification: Uncertain significance for Hereditary cancer-predisposing syndrome. Last evaluated: 2024-03-10. Review status: criteria provided, single submitter. Criteria: Ambry Variant Classification Scheme 2023. Collection method: clinical testing. Allele origin: germline.
Comment: The p.L1737W variant (also known as c.5210T>G), located in coding exon 34 of the ATM gene, results from a T to G substitution at nucleotide position 5210. The leucine at codon 1737 is replaced by tryptophan, an amino acid with similar properties. This amino acid position is highly conserved in available vertebrate species. In addition, this alteration is predicted to be deleterious by in silico analysis. Since supporting evidence is limited at this time, the clinical significance of this alteration remains unclear.